The following is an entry in ClinVar:

ClinVar aggregate classification (germline): Uncertain significance. Review status: criteria provided, multiple submitters, no conflicts (2 of 4 stars). 2 submissions from 2 submitters: Uncertain significance (2). Last evaluated 2024-03-21.

Conditions:
Hereditary sensory and autonomic neuropathy type 7. Also called: HSAN VII; Neuropathy, hereditary sensory and autonomic, type VII. Identifiers: Orphanet 391397, MedGen C3809882, MONDO:0014244, OMIM 615548.
Familial episodic pain syndrome with predominantly lower limb involvement. Also called: Episodic pain syndrome, familial, 3. Identifiers: Orphanet 391384, Orphanet 391392, MedGen C3809899, MONDO:0014247, OMIM 615552.
Inborn genetic diseases. Identifiers: MedGen C0950123, MeSH D030342.

Allele frequency attached by ClinVar (database versions not stated): gnomAD exomes below 0.00001.
gnomAD v4.1: 2 of 1,614,028 alleles (0.00012%); highest among the groups gnomAD compares: Non-Finnish European, 0.00017%; no homozygotes.

Submissions (2):

Labcorp Genetics (formerly Invitae), Labcorp
Classification: Uncertain significance for Familial episodic pain syndrome with predominantly lower limb involvement; Hereditary sensory and autonomic neuropathy type 7. Last evaluated: 2024-03-21. Review status: criteria provided, single submitter. Criteria: Invitae Variant Classification Sherloc (09022015). Collection method: clinical testing. Allele origin: germline.
Comment: This sequence change replaces cysteine, which is neutral and slightly polar, with tyrosine, which is neutral and polar, at codon 1049 of the SCN11A protein (p.Cys1049Tyr). This variant is present in population databases (no rsID available, gnomAD 0.0009%). This variant has not been reported in the literature in individuals affected with SCN11A-related conditions. ClinVar contains an entry for this variant (Variation ID: 2274279). Advanced modeling of protein sequence and biophysical properties (such as structural, functional, and spatial information, amino acid conservation, physicochemical variation, residue mobility, and thermodynamic stability) performed at Invitae indicates that this missense variant is expected to disrupt SCN11A protein function with a positive predictive value of 80%. In summary, the available evidence is currently insufficient to determine the role of this variant in disease. Therefore, it has been classified as a Variant of Uncertain Significance.

Ambry Genetics
Classification: Uncertain significance for Inborn genetic diseases. Last evaluated: 2022-01-27. Review status: criteria provided, single submitter. Criteria: Ambry Variant Classification Scheme 2023. Collection method: clinical testing. Allele origin: germline.

NM_001349253.2(SCN11A):c.3146G>A (p.Cys1049Tyr)

Gene: SCN11A (sodium voltage-gated channel alpha subunit 11; minus strand). Cytogenetic location: 3p22.2.
Variant type: single nucleotide variant.
Coding change: c.3146G>A on transcript NM_001349253.2 (MANE Select); coding-DNA position 3146, G replaced by A.
Protein change: p.Cys1049Tyr; replaces cysteine 1049 with tyrosine.
Molecular consequence: missense variant.
Genome position (GRCh38, 1-based): chr3:38,883,306, C>T on the plus strand (G>A on the coding strand, the complement: SCN11A is on the minus strand). VCF-style: chr3-38883306-C-T. GRCh37 (hg19) VCF-style: chr3-38924797-C-T.
Other names: c.3146G>A, p.Cys1049Tyr (NM_014139.3); short protein forms C1049Y.
Identifiers: ClinVar variation 2274279 (VCV002274279.4), dbSNP rs1339090698, ClinGen allele CA352173058.
Genomic context (GRCh38, chr3:38,883,306, plus strand): 5'-CTCAGCAGAATCACAAAGATAATAAAGCTCTCAAACCAGCTGTGTTTCACTATTTGGTAG[C>T]AGGTTTTCCGCAGGTTCCACCAAATGACCCAGGGAGGCTTTCTCTTGTCCACGCTACAGC-3'
Protein context (NP_001336182.1, residues 1039-1059): WVIWWNLRKT[Cys1049Tyr]YQIVKHSWFE